The following is an entry in ClinVar:

ClinVar aggregate classification (germline): Uncertain significance (1 of 4 stars; one submission).

Allele frequency attached by ClinVar (database versions not stated): gnomAD 0.00003; TOPMed 0.00003; gnomAD exomes 0.00005; ExAC 0.00029.
gnomAD v4.1: 75 of 1,574,888 alleles (0.0048%); highest among the groups gnomAD compares: Non-Finnish European, 0.0057%; no homozygotes.

Submission:

Labcorp Genetics (formerly Invitae), Labcorp
Classification: Uncertain significance. Last evaluated: 2024-10-24. Review status: criteria provided, single submitter. Criteria: Invitae Variant Classification Sherloc (09022015). Collection method: clinical testing. Allele origin: germline.
Comment: This sequence change replaces valine, which is neutral and non-polar, with methionine, which is neutral and non-polar, at codon 799 of the DCHS1 protein (p.Val799Met). This variant is present in population databases (rs771062408, gnomAD 0.01%). This variant has not been reported in the literature in individuals affected with DCHS1-related conditions. ClinVar contains an entry for this variant (Variation ID: 1923561). Invitae Evidence Modeling of protein sequence and biophysical properties (such as structural, functional, and spatial information, amino acid conservation, physicochemical variation, residue mobility, and thermodynamic stability) indicates that this missense variant is not expected to disrupt DCHS1 protein function with a negative predictive value of 80%. In summary, the available evidence is currently insufficient to determine the role of this variant in disease. Therefore, it has been classified as a Variant of Uncertain Significance.

NM_003737.4(DCHS1):c.2395G>A (p.Val799Met)

Gene: DCHS1 (dachsous cadherin-related 1; minus strand). Cytogenetic location: 11p15.4.
Variant type: single nucleotide variant.
Coding change: c.2395G>A on transcript NM_003737.4 (MANE Select); coding-DNA position 2395, G replaced by A.
Protein change: p.Val799Met; replaces valine 799 with methionine.
Molecular consequence: missense variant.
Genome position (GRCh38, 1-based): chr11:6,633,472, C>T on the plus strand (G>A on the coding strand, the complement: DCHS1 is on the minus strand). VCF-style: chr11-6633472-C-T. GRCh37 (hg19) VCF-style: chr11-6654703-C-T.
Other names: short protein forms V799M.
Identifiers: ClinVar variation 1923561 (VCV001923561.5), dbSNP rs771062408, ClinGen allele CA5860741.